The following is an entry in ClinVar:

NM_000390.4(CHM):c.1402del (p.Ser468fs)

Gene: CHM (CHM Rab escort protein; minus strand). Cytogenetic location: Xq21.2.
Variant type: Deletion.
Coding change: c.1402del on transcript NM_000390.4 (MANE Select); coding-DNA position 1402, one base deleted (T; older notation c.1402delT).
Protein change: p.Ser468fs; shifts the reading frame from serine 468.
Molecular consequence: frameshift variant.
Genome position (GRCh38, 1-based): chrX:85,900,657, A deleted on the plus strand (T on the coding strand, the reverse complement: CHM is on the minus strand); the first of 2 consecutive A bases (chrX:85,900,657-85,900,658); deleting either gives the same sequence. VCF-style (leftmost placement, unchanged base first): chrX-85900656-GA-G. GRCh37 (hg19) VCF-style: chrX-85155661-GA-G.
Other names: c.958del, p.Ser320fs (NM_001320959.1, NM_001362517.1, NM_001362518.2 and 1 more transcripts); short protein forms S320fs, S468fs.
Identifiers: ClinVar variation 1703520 (VCV001703520.4), dbSNP rs2520095436, ClinGen allele CA2580102022.

ClinVar aggregate classification (germline): Pathogenic/Likely pathogenic. Review status: criteria provided, multiple submitters, no conflicts (2 of 4 stars). 2 submissions from 2 submitters: Pathogenic (1); Likely pathogenic (1). Last evaluated 2024-06-02.

Conditions:
Choroideremia. Also called: Chorioretinal scalloped atrophy. Identifiers: Orphanet 180, MedGen C0008525, MONDO:0010557, OMIM 303100, HP:0001139.

Submissions (2):

Labcorp Genetics (formerly Invitae), Labcorp
Classification: Pathogenic. Last evaluated: 2024-06-02. Review status: criteria provided, single submitter. Criteria: Invitae Variant Classification Sherloc (09022015). Collection method: clinical testing. Allele origin: germline.
Comment: This sequence change creates a premature translational stop signal (p.Ser468Glnfs*8) in the CHM gene. It is expected to result in an absent or disrupted protein product. Loss-of-function variants in CHM are known to be pathogenic (PMID: 9067750, 23811034). This variant is not present in population databases (gnomAD no frequency). This variant has not been reported in the literature in individuals affected with CHM-related conditions. ClinVar contains an entry for this variant (Variation ID: 1703520). For these reasons, this variant has been classified as Pathogenic.

Institute of Human Genetics, University of Goettingen
Classification: Likely pathogenic for Choroideremia. Last evaluated: 2022-09-01. Review status: criteria provided, single submitter. Criteria: ACMG Guidelines, 2015. Collection method: clinical testing. Allele origin: unknown. Inheritance: X-linked inheritance. Affected: yes. Observed: 1 heterozygote.
Comment: The variant c.1402del (p.(Ser468Glnfs*8)) in exon 11 of the CHM gene is not found in the gnomAD database and it creates a frame shift starting at codon Ser468. The new reading frame ends in a STOP codon at position 8. ACMG criteria used for classification: PVS1, PM2.

Literature cited by the submitters: PubMed 9067750 (cited by Labcorp Genetics (formerly Invitae), Labcorp); PubMed 23811034 (cited by Labcorp Genetics (formerly Invitae), Labcorp).